The following is an entry in ClinVar:

NC_000013.11:g.20193019G>A

Gene: GJB2 (gap junction protein beta 2; minus strand). Cytogenetic location: 13q12.11.
Variant type: single nucleotide variant.
Genome position: GRCh38 VCF-style: chr13-20193019-G-A. GRCh37 (hg19) VCF-style: chr13-20767158-G-A.
Identifiers: ClinVar variation 553626 (VCV000553626.8), dbSNP rs1417111166, ClinGen allele CA658823511.
Genomic context (GRCh38, chr13:20,193,019, plus strand): 5'-CCTTTTAACCGCACCCCACACCCCGCCTCTTCCCTCGGAGACTGGGAAAGTTACGGAGGG[G>A]GCGGCGCCGCGGGCGGAGCGCGCCCGGCCTCTGGGTCCTCAGAGCTTCCCGGGTCCGCGA-3'

ClinVar aggregate classification (germline): Uncertain significance. Review status: criteria provided, multiple submitters, no conflicts (2 of 4 stars). 3 submissions from 3 submitters: Uncertain significance (2). 1 of the submissions does not count toward it. Last evaluated 2026-07-21.

Conditions:
Autosomal recessive nonsyndromic hearing loss 1A (DFNB1A). Also called: GJB6-Related DFNB 1 Nonsyndromic Hearing Loss and Deafness; Deafness, autosomal recessive 1A; Deafness nonsyndromic, Connexin 26 linked; Connexin 26 deafness; Nonsyndromic Hearing Loss and Deafness, DFNB1; GJB2-Related Autosomal Recessive Nonsyndromic Hearing Loss. Identifiers: Orphanet 90636, MedGen C2673759, MONDO:0009076, OMIM 220290.

Allele frequency attached by ClinVar (database versions not stated): TOPMed 0.00003; gnomAD 0.00004 and 0.00003.

Submissions (3):

GeneDx
Classification: Uncertain significance. Last evaluated: 2026-07-21. Review status: criteria provided, single submitter. Criteria: GeneDx Variant Classification Process June 2021. Collection method: clinical testing. Allele origin: germline.
Comment: Observed with a pathogenic variant in an individual with sensorineural hearing loss in the literature and testing of one parent suggests the variants are likely present on opposite alleles (in trans), however, testing of other genes related to hearing loss was not performed (PMID: 17660464); Not present in studied patients with sensorineural hearing loss with either a single heterozygous GJB2 variant or no GJB2 variants previously identified (PMID: 22567369, 25085637); No data available from control populations to assess the frequency of this variant; This variant is associated with the following publications: (PMID: 9838096, 22567369, 17660464, 25085637)

Labcorp Genetics (formerly Invitae), Labcorp
Classification: Uncertain significance. Last evaluated: 2021-10-14. Review status: criteria provided, single submitter. Criteria: Invitae Variant Classification Sherloc (09022015). Collection method: clinical testing. Allele origin: germline.

Counsyl
Classification: Uncertain significance for Autosomal recessive nonsyndromic hearing loss 1A. Last evaluated: 2017-11-14. Review status: no assertion criteria provided. Collection method: clinical testing. Allele origin: unknown. Not counted in ClinVar's aggregate classification.

Literature cited by the submitters: PubMed 23668481 (cited by Counsyl); PubMed 17660464 (cited by Counsyl); PubMed 9838096 (cited by Counsyl).